The following is an entry in ClinVar:

NM_014915.3(ANKRD26):c.5106G>C (p.Gln1702His)

Gene: ANKRD26 (ankyrin repeat domain containing 26; minus strand). Cytogenetic location: 10p12.1.
Variant type: single nucleotide variant.
Coding change: c.5106G>C on transcript NM_014915.3 (MANE Select); coding-DNA position 5106, G replaced by C.
Protein change: p.Gln1702His; replaces glutamine 1702 with histidine.
Molecular consequence: missense variant.
Genome position (GRCh38, 1-based): chr10:27,005,617, C>G on the plus strand (G>C on the coding strand, the complement: ANKRD26 is on the minus strand). VCF-style: chr10-27005617-C-G. GRCh37 (hg19) VCF-style: chr10-27294546-C-G.
Other names: c.5103G>C, p.Gln1701His (NM_001256053.2); short protein forms Q1701H, Q1702H.
Identifiers: ClinVar variation 2500548 (VCV002500548.1), dbSNP rs1230375690, ClinGen allele CA376352612.
Genomic context (GRCh38, chr10:27,005,617, plus strand): 5'-CACATAAACAGCCCAGTAATAAAATCTTATCTTTCAGATCATATAATTTTTCTTTAAAAC[C>G]TGTACATATTCTCTTGATGCTTTCCAAACTAGATCTTGATTTAGATTTGACTCATCAGTA-3'
Protein context (NP_055730.2, residues 1692-1710): LVWKASREYV[Gln1702His]VLKKNYMI

ClinVar aggregate classification (germline): Uncertain significance (1 of 4 stars; one submission).

Submission:

GeneDx
Classification: Uncertain significance. Last evaluated: 2022-10-28. Review status: criteria provided, single submitter. Criteria: GeneDx Variant Classification Process June 2021. Collection method: clinical testing. Allele origin: germline. Affected: yes.
Comment: Not observed at significant frequency in large population cohorts (gnomAD); In silico analysis supports that this missense variant does not alter protein structure/function; Has not been previously published as pathogenic or benign to our knowledge